The following is an entry in ClinVar:

ClinVar aggregate classification (germline): Uncertain significance (1 of 4 stars; one submission).

Submission:

GeneDx
Classification: Uncertain significance. Last evaluated: 2024-10-06. Review status: criteria provided, single submitter. Criteria: GeneDx Variant Classification Process June 2021. Collection method: clinical testing. Allele origin: germline. Affected: yes.
Comment: Not observed at significant frequency in large population cohorts (gnomAD); In silico analysis supports that this missense variant has a deleterious effect on protein structure/function; Has not been previously published as pathogenic or benign to our knowledge

NM_001367479.1(DNAH14):c.10315C>T (p.Leu3439Phe)

Gene: DNAH14 (dynein axonemal heavy chain 14; plus strand). Cytogenetic location: 1q42.12.
Variant type: single nucleotide variant.
Coding change: c.10315C>T on transcript NM_001367479.1 (MANE Select); coding-DNA position 10315, C replaced by T.
Protein change: p.Leu3439Phe; replaces leucine 3439 with phenylalanine.
Molecular consequence: missense variant.
Genome position (GRCh38, 1-based): chr1:225,338,064, C>T. VCF-style: chr1-225338064-C-T. GRCh37 (hg19) VCF-style: chr1-225525766-C-T.
Other names: NM_001373.1:c.10036C>T; short protein forms L3439F.
Identifiers: ClinVar variation 3776721 (VCV003776721.1).